The following is an entry in ClinVar:

NM_002430.3(MN1):c.3079T>G (p.Ser1027Ala)

Gene: MN1 (MN1 proto-oncogene, transcriptional regulator; minus strand). Cytogenetic location: 22q12.1.
Variant type: single nucleotide variant.
Coding change: c.3079T>G on transcript NM_002430.3 (MANE Select); coding-DNA position 3079, T replaced by G.
Protein change: p.Ser1027Ala; replaces serine 1027 with alanine.
Molecular consequence: missense variant.
Genome position (GRCh38, 1-based): chr22:27,797,465, A>C on the plus strand (T>G on the coding strand, the complement: MN1 is on the minus strand). VCF-style: chr22-27797465-A-C. GRCh37 (hg19) VCF-style: chr22-28193453-A-C.
Other names: short protein forms S1027A.
Identifiers: ClinVar variation 3766300 (VCV003766300.1).

ClinVar aggregate classification (germline): Uncertain significance (1 of 4 stars; one submission).

Submission:

GeneDx
Classification: Uncertain significance. Last evaluated: 2024-08-26. Review status: criteria provided, single submitter. Criteria: GeneDx Variant Classification Process June 2021. Collection method: clinical testing. Allele origin: germline. Affected: yes.
Comment: Not observed at significant frequency in large population cohorts (gnomAD); In silico analysis supports that this missense variant has a deleterious effect on protein structure/function; Has not been previously published as pathogenic or benign to our knowledge